The following is an entry in ClinVar:

ClinVar aggregate classification (germline): Conflicting classifications of pathogenicity. Review status: criteria provided, conflicting classifications (1 of 4 stars). 5 submissions from 5 submitters: Pathogenic (2); Likely pathogenic (1); Uncertain significance (2). Last evaluated 2025-11-14.

Conditions:
KBG syndrome (KBGS). Also called: ANKRD11-Related KBG Syndrome. Identifiers: Orphanet 2332, MedGen C0220687, MONDO:0007846, OMIM 148050.
ANKRD11-related disorder. Also called: ANKRD11-related condition.

Submissions (5):

GeneDx
Classification: Pathogenic. Last evaluated: 2025-11-14. Review status: criteria provided, single submitter. Criteria: GeneDx Variant Classification Process June 2021. Collection method: clinical testing. Allele origin: germline.
Comment: Published functional studies demonstrate a damaging effect (PMID: 35833929); Not observed at significant frequency in large population cohorts (gnomAD); In silico analysis supports that this missense variant has a deleterious effect on protein structure/function; This variant is associated with the following publications: (PMID: 35833929, 35175682, 36446582)

Blueprint Genetics
Classification: Pathogenic for ANKRD11-related disorders. Last evaluated: 2024-11-15. Review status: criteria provided, single submitter. Criteria: ACMG Guidelines, 2015. Collection method: clinical testing. Allele origin: germline. Affected: yes. Observed: 4 variant alleles.

Genetics and Molecular Pathology, SA Pathology
Classification: Uncertain significance for KBG syndrome. Last evaluated: 2021-05-10. Review status: criteria provided, single submitter. Criteria: ACMG Guidelines, 2015. Collection method: clinical testing. Allele origin: germline. Inheritance: Autosomal dominant inheritance. Affected: yes.
Comment: The ANKRD11 c.7753C>T variant is classified as a VARIANT OF UNCERTAIN SIGNIFICANCE (PM2, PP3) The ANKRD11 c.7753C>T variant is a single nucleotide change in exon 13 of the ANKRD11 gene, which is predicted to change the amino acid arginine at position 2585 in the protein to cysteine. This variant has not been reported in dbSNP and is absent from population databases (PM2). This variant has been reported in ClinVar as a variant of uncertain significance (ClinVar Variation ID: 613051). This variant has not been reported in HGMD. Computational predictions support a deleterious effect on the gene or gene product (PP3).

Groupe Hospitalier Pitie Salpetriere, Uf Genomique Du Developpement, Assistance Publique Hopitaux de Paris Sorbonne Université
Classification: Likely pathogenic for KBG syndrome. Last evaluated: 2020-12-01. Review status: criteria provided, single submitter. Criteria: ACMG Guidelines, 2015. Collection method: clinical testing. Allele origin: germline. Affected: yes.
Comment: This variant is located in a mutational hot spot and or critical functional domain without benign variation (PM1), absent or extremely rare in population databases (PM2_supp), multiple lines of computational evidence support a deleterious effect on the gene or gene product (PP3) and reported as pathogenic by a reputable source though evidence isnt available for independent evaluation (PP5)

CeGaT Center for Human Genetics Tuebingen
Classification: Uncertain significance. Last evaluated: 2018-04-01. Review status: criteria provided, single submitter. Criteria: CeGaT Center For Human Genetics Tuebingen Variant Classification Criteria Version 2. Collection method: clinical testing. Allele origin: germline. Affected: yes. Observed: 1 variant allele.

NM_013275.6(ANKRD11):c.7753C>T (p.Arg2585Cys)

Gene: ANKRD11 (ankyrin repeat domain 11; minus strand). Cytogenetic location: 16q24.3.
Variant type: single nucleotide variant.
Coding change: c.7753C>T on transcript NM_013275.6 (MANE Select); coding-DNA position 7753, C replaced by T.
Protein change: p.Arg2585Cys; replaces arginine 2585 with cysteine.
Molecular consequence: missense variant.
Genome position (GRCh38, 1-based): chr16:89,270,870, G>A on the plus strand (C>T on the coding strand, the complement: ANKRD11 is on the minus strand). VCF-style: chr16-89270870-G-A. GRCh37 (hg19) VCF-style: chr16-89337278-G-A.
Other names: c.7753C>T, p.Arg2585Cys (NM_001256182.2, NM_001256183.2); short protein forms R2585C.
Identifiers: ClinVar variation 623907 (VCV000623907.51), dbSNP rs1567537304, ClinGen allele CA397146565.